The following is an entry in ClinVar:

NM_213599.3(ANO5):c.1222C>T (p.Leu408=)

Gene: ANO5 (anoctamin 5; plus strand). Cytogenetic location: 11p14.3.
Variant type: single nucleotide variant.
Coding change: c.1222C>T on transcript NM_213599.3 (MANE Select); coding-DNA position 1222, C replaced by T.
Protein change: p.Leu408=; no amino-acid change (leucine 408 retained).
Molecular consequence: synonymous variant.
Genome position (GRCh38, 1-based): chr11:22,255,412, C>T. VCF-style: chr11-22255412-C-T. GRCh37 (hg19) VCF-style: chr11-22276958-C-T.
Other names: c.1219C>T, p.Leu407= (NM_001142649.2).
Identifiers: ClinVar variation 507738 (VCV000507738.13), dbSNP rs997655691, ClinGen allele CA218757794.

ClinVar aggregate classification (germline): Conflicting classifications of pathogenicity. Review status: criteria provided, conflicting classifications (1 of 4 stars). 4 submissions from 4 submitters: Uncertain significance (2); Likely benign (2). Last evaluated 2023-09-30.

Conditions:
Gnathodiaphyseal dysplasia (GDD). Also called: GNATHODIAPHYSEAL SCLEROSIS; OSTEOGENESIS IMPERFECTA WITH UNUSUAL SKELETAL LESIONS. Identifiers: Orphanet 53697, MedGen C1833736, MONDO:0008151, OMIM 166260.
Autosomal recessive limb-girdle muscular dystrophy type 2L (LGMDR12). Also called: MUSCULAR DYSTROPHY, LIMB-GIRDLE, AUTOSOMAL RECESSIVE 12; Limb-Girdle Muscular Dystrophy R12 Anoctamin-5-Related (LGMD-R12); Limb-girdle muscular dystrophy, type 2L. Identifiers: Orphanet 206549, MedGen C1969785, MONDO:0012652, OMIM 611307.

Allele frequency attached by ClinVar (database versions not stated): gnomAD exomes below 0.00001.

Submissions (4):

Labcorp Genetics (formerly Invitae), Labcorp
Classification: Likely benign for Autosomal recessive limb-girdle muscular dystrophy type 2L; Gnathodiaphyseal dysplasia. Last evaluated: 2023-09-30. Review status: criteria provided, single submitter. Criteria: Invitae Variant Classification Sherloc (09022015). Collection method: clinical testing. Allele origin: germline.

Athena Diagnostics
Classification: Uncertain significance. Last evaluated: 2021-01-12. Review status: criteria provided, single submitter. Criteria: Athena Diagnostics criteria. Collection method: clinical testing. Allele origin: unknown.

Eurofins Ntd Llc (ga)
Classification: Uncertain significance. Last evaluated: 2018-08-13. Review status: criteria provided, single submitter. Criteria: EGL ClinVar v180209 classification definitions. Collection method: clinical testing. Allele origin: germline. Observed: 1 variant allele, 1 heterozygote.

GeneDx
Classification: Likely benign. Last evaluated: 2017-03-03. Review status: criteria provided, single submitter. Criteria: GeneDx Variant Classification (06012015). Collection method: clinical testing. Allele origin: germline. Affected: yes.
Comment: This variant is considered likely benign or benign based on one or more of the following criteria: it is a conservative change, it occurs at a poorly conserved position in the protein, it is predicted to be benign by multiple in silico algorithms, and/or has population frequency not consistent with disease.